The following is an entry in ClinVar:

NM_001792.5(CDH2):c.2442C>G (p.Ile814Met)

Genes: CDH2 (cadherin 2; minus strand), CDH2-AS1 (CDH2 antisense RNA 1; plus strand). Cytogenetic location: 18q12.1.
Variant type: single nucleotide variant.
Coding change: c.2442C>G on transcript NM_001792.5 (MANE Select); coding-DNA position 2442, C replaced by G.
Protein change: p.Ile814Met; replaces isoleucine 814 with methionine.
Molecular consequence: missense variant.
Genome position (GRCh38, 1-based): chr18:27,963,429, G>C on the plus strand (C>G on the coding strand, the complement: CDH2 is on the minus strand). VCF-style: chr18-27963429-G-C. GRCh37 (hg19) VCF-style: chr18-25543393-G-C.
Other names: c.2349C>G, p.Ile783Met (NM_001308176.2); short protein forms I783M, I814M.
Identifiers: ClinVar variation 3650730 (VCV003650730.2).
Genomic context (GRCh38, chr18:27,963,429, plus strand): 5'-GTCCCCAATGTCTCCAGGGTGTGGGGCTGCAGATCGGACCGGATACTGGGGCTCGGCGTG[G>C]ATGGGTCTTTCATCCATTCGTCGGATTCCCACAGGCTTGATGGCATCAGGCTCCACAGTG-3'
Protein context (NP_001783.2, residues 804-824): VGIRRMDERP[Ile814Met]HAEPQYPVRS

ClinVar aggregate classification (germline): Uncertain significance (1 of 4 stars; one submission).

gnomAD v4.1: 1 of 1,614,054 alleles (0.000062%); highest among the groups gnomAD compares: Non-Finnish European, 0.000085%; no homozygotes.

Submission:

Labcorp Genetics (formerly Invitae), Labcorp
Classification: Uncertain significance. Last evaluated: 2024-04-24. Review status: criteria provided, single submitter. Criteria: Invitae Variant Classification Sherloc (09022015). Collection method: clinical testing. Allele origin: germline.
Comment: This sequence change replaces isoleucine, which is neutral and non-polar, with methionine, which is neutral and non-polar, at codon 814 of the CDH2 protein (p.Ile814Met). This variant is not present in population databases (gnomAD no frequency). This variant has not been reported in the literature in individuals affected with CDH2-related conditions. An algorithm developed to predict the effect of missense changes on protein structure and function (PolyPhen-2) suggests that this variant is likely to be tolerated. In summary, the available evidence is currently insufficient to determine the role of this variant in disease. Therefore, it has been classified as a Variant of Uncertain Significance.